The following is an entry in ClinVar:

NM_152703.5(SAMD9L):c.1061C>T (p.Ala354Val)

Gene: SAMD9L (sterile alpha motif domain containing 9 like; minus strand). Cytogenetic location: 7q21.2.
Variant type: single nucleotide variant.
Coding change: c.1061C>T on transcript NM_152703.5 (MANE Select); coding-DNA position 1061, C replaced by T.
Protein change: p.Ala354Val; replaces alanine 354 with valine.
Molecular consequence: missense variant.
Genome position (GRCh38, 1-based): chr7:93,134,911, G>A on the plus strand (C>T on the coding strand, the complement: SAMD9L is on the minus strand). VCF-style: chr7-93134911-G-A. GRCh37 (hg19) VCF-style: chr7-92764224-G-A.
Other names: c.1061C>T (NM_152703.3, NM_152703.2); c.1061C>T, p.Ala354Val (NM_001303496.3, NM_001303497.3, NM_001303498.3 and 5 more transcripts); short protein forms A354V.
Identifiers: ClinVar variation 1336858 (VCV001336858.14), dbSNP rs912280663, ClinGen allele CA161962676.
Genomic context (GRCh38, chr7:93,134,911, plus strand): 5'-ACCAGTGACTTTAAATTTTGTAAAAATGCCTTGAAATCTACATCCCGTTGCTTGGAATTG[G>A]CCAGGATATCCCTAGAGCTAGCCCCTTCTCTTACAAACAGTGAAAGATTTTGGTTTTGTT-3'
Protein context (NP_689916.2, residues 344-364): REGASSRDIL[Ala354Val]NSKQRDVDFK

ClinVar aggregate classification (germline): Uncertain significance. Review status: criteria provided, multiple submitters, no conflicts (2 of 4 stars). 5 submissions from 5 submitters: Uncertain significance (5). Last evaluated 2024-11-26.

Conditions:
Inborn genetic diseases. Identifiers: MedGen C0950123, MeSH D030342.
Ataxia-pancytopenia syndrome (ATXPC). Also called: SAMD9L-Related Syndrome; SAMD9L Ataxia-Pancytopenia Syndrome. Identifiers: Orphanet 2585, MedGen C1327919, MONDO:0008038, OMIM 159550.

Allele frequency attached by ClinVar (database versions not stated): gnomAD exomes below 0.00001 and 0.00001; gnomAD 0.00001; TOPMed 0.00001.
gnomAD v4.1: 7 of 1,613,824 alleles (0.00043%); highest among the groups gnomAD compares: Middle Eastern, 0.033%; no homozygotes.

Submissions (5):

Ambry Genetics
Classification: Uncertain significance for Inborn genetic diseases. Last evaluated: 2024-11-26. Review status: criteria provided, single submitter. Criteria: Ambry Variant Classification Scheme 2023. Collection method: clinical testing. Allele origin: germline.
Comment: The p.A354V variant (also known as c.1061C>T), located in coding exon 1 of the SAMD9L gene, results from a C to T substitution at nucleotide position 1061. The alanine at codon 354 is replaced by valine, an amino acid with similar properties. This amino acid position is conserved. In addition, this alteration is predicted to be tolerated by in silico analysis. Based on the available evidence, the clinical significance of this variant remains unclear.

St. Jude Molecular Pathology, St. Jude Children's Research Hospital
Classification: Uncertain significance for Ataxia-pancytopenia syndrome. Last evaluated: 2024-04-13. Review status: criteria provided, single submitter. Criteria: St. Jude Assertion Criteria 2020. Collection method: clinical testing. Allele origin: germline.
Comment: The SAMD9L c.1061C>T (p.Ala354Val) missense change has a maximum subpopulation frequency of 0.0026% in gnomAD v2.1.1. The in silico tool REVEL predicts a benign effect on protein function, but this prediction has not been confirmed by functional studies. In silico predictions have not been found to correlate with syndromic risk and are not considered supporting evidence of a pathogenic or benign effect (PMID: 34621053). This variant has not been reported in individuals with ataxia-pancytopenia syndrome. In summary, the evidence currently available is insufficient to determine the clinical significance of this variant. It has therefore been classified as of uncertain significance.

GeneDx
Classification: Uncertain significance. Last evaluated: 2022-09-15. Review status: criteria provided, single submitter. Criteria: GeneDx Variant Classification Process June 2021. Collection method: clinical testing. Allele origin: germline. Affected: yes.
Comment: Not observed at significant frequency in large population cohorts (gnomAD); In silico analysis supports that this missense variant does not alter protein structure/function; Has not been previously published as pathogenic or benign to our knowledge

Labcorp Genetics (formerly Invitae), Labcorp
Classification: Uncertain significance. Last evaluated: 2022-05-03. Review status: criteria provided, single submitter. Criteria: Invitae Variant Classification Sherloc (09022015). Collection method: clinical testing. Allele origin: germline.
Comment: This sequence change replaces alanine, which is neutral and non-polar, with valine, which is neutral and non-polar, at codon 354 of the SAMD9L protein (p.Ala354Val). This variant is present in population databases (no rsID available, gnomAD 0.002%). In summary, the available evidence is currently insufficient to determine the role of this variant in disease. Therefore, it has been classified as a Variant of Uncertain Significance. Algorithms developed to predict the effect of missense changes on protein structure and function are either unavailable or do not agree on the potential impact of this missense change (SIFT: "Not Available"; PolyPhen-2: "Possibly Damaging"; Align-GVGD: "Not Available"). ClinVar contains an entry for this variant (Variation ID: 1336858). This variant has not been reported in the literature in individuals affected with SAMD9L-related conditions.

Genetic Services Laboratory, University of Chicago
Classification: Uncertain significance. Last evaluated: 2018-09-13. Review status: criteria provided, single submitter. Criteria: ACMG Guidelines, 2015. Collection method: clinical testing. Allele origin: germline. Affected: no.